The following is an entry in ClinVar:

ClinVar aggregate classification (germline): Pathogenic (1 of 4 stars; one submission).

Conditions:
Cholestanol storage disease (CTX). Also called: Cerebrotendinous Xanthomatosis; CEREBRAL CHOLESTERINOSIS; CTX: Cerebrotendinous xanthomatosis. Identifiers: Orphanet 909, MedGen C0238052, MONDO:0008948, OMIM 213700.

Submission:

Labcorp Genetics (formerly Invitae), Labcorp
Classification: Pathogenic for Cholestanol storage disease. Last evaluated: 2024-11-11. Review status: criteria provided, single submitter. Criteria: Invitae Variant Classification Sherloc (09022015). Collection method: clinical testing. Allele origin: germline.
Comment: This sequence change creates a premature translational stop signal (p.Ala2Glyfs*179) in the CYP27A1 gene. It is expected to result in an absent or disrupted protein product. Loss-of-function variants in CYP27A1 are known to be pathogenic (PMID: 9392430, 10775536, 26937392). This variant is not present in population databases (gnomAD no frequency). This variant has not been reported in the literature in individuals affected with CYP27A1-related conditions. For these reasons, this variant has been classified as Pathogenic.

Literature cited by the submitters: PubMed 9392430; PubMed 10775536; PubMed 26937392.

NM_000784.4(CYP27A1):c.4dup (p.Ala2fs)

Gene: CYP27A1 (cytochrome P450 family 27 subfamily A member 1; plus strand). Cytogenetic location: 2q35.
Variant type: Duplication.
Coding change: c.4dup on transcript NM_000784.4 (MANE Select); coding-DNA position 4, one base duplicated (G; older notation c.4dupG).
Protein change: p.Ala2fs; shifts the reading frame from alanine 2.
Molecular consequence: frameshift variant, initiator codon variant.
Genome position (GRCh38, 1-based): chr2:218,782,186, G duplicated; the last of 2 consecutive G bases (chr2:218,782,185-218,782,186); duplicating either gives the same sequence. VCF-style (leftmost placement, unchanged base first): chr2-218782184-T-TG. GRCh37 (hg19) VCF-style: chr2-219646907-T-TG.
Other names: short protein forms A2fs.
Identifiers: ClinVar variation 3656491 (VCV003656491.2).